The following is an entry in ClinVar:

NM_001170700.3(DTHD1):c.1964A>G (p.Lys655Arg)

Gene: DTHD1 (death domain containing 1; plus strand). Cytogenetic location: 4p14.
Variant type: single nucleotide variant.
Coding change: c.1964A>G on transcript NM_001170700.3 (MANE Select); coding-DNA position 1964, A replaced by G.
Protein change: p.Lys655Arg; replaces lysine 655 with arginine.
Molecular consequence: missense variant. On other transcripts: non-coding transcript variant (2).
Genome position (GRCh38, 1-based): chr4:36,308,362, A>G. VCF-style: chr4-36308362-A-G. GRCh37 (hg19) VCF-style: chr4-36309984-A-G.
Other names: c.1094A>G, p.Lys365Arg (NM_001136536.5); c.1031A>G, p.Lys344Arg (NM_001378435.1); short protein forms K365R, K655R, K344R.
Identifiers: ClinVar variation 3685230 (VCV003685230.2).
Genomic context (GRCh38, chr4:36,308,362, plus strand): 5'-TAGTACTGTCTCACCAGAAGGACAATCCACATAGAATAGCTGTTTTAGTGGTGCCTTCCA[A>G]AGATTTAAGCCAGGTGCTTAAGGACCTGCACTTGGAAGGGTTTGGAGGACCTCCAGAGCC-3'
Protein context (NP_001164171.2, residues 645-665): HRIAVLVVPS[Lys655Arg]DLSQVLKDLH

ClinVar aggregate classification (germline): Uncertain significance (1 of 4 stars; one submission).

Submission:

Labcorp Genetics (formerly Invitae), Labcorp
Classification: Uncertain significance. Last evaluated: 2024-08-05. Review status: criteria provided, single submitter. Criteria: Invitae Variant Classification Sherloc (09022015). Collection method: clinical testing. Allele origin: germline.
Comment: This sequence change replaces lysine, which is basic and polar, with arginine, which is basic and polar, at codon 365 of the DTHD1 protein (p.Lys365Arg). This variant is not present in population databases (gnomAD no frequency). This variant has not been reported in the literature in individuals affected with DTHD1-related conditions. An algorithm developed to predict the effect of missense changes on protein structure and function (PolyPhen-2) suggests that this variant is likely to be disruptive. In summary, the available evidence is currently insufficient to determine the role of this variant in disease. Therefore, it has been classified as a Variant of Uncertain Significance.